The following is an entry in ClinVar:

ClinVar aggregate classification (germline): Uncertain significance (1 of 4 stars; one submission).

Submission:

Labcorp Genetics (formerly Invitae), Labcorp
Classification: Uncertain significance. Last evaluated: 2023-02-15. Review status: criteria provided, single submitter. Criteria: Invitae Variant Classification Sherloc (09022015). Collection method: clinical testing. Allele origin: germline.
Comment: This sequence change replaces glutamic acid, which is acidic and polar, with glycine, which is neutral and non-polar, at codon 555 of the MYLK3 protein (p.Glu555Gly). This variant is not present in population databases (gnomAD no frequency). This variant has not been reported in the literature in individuals affected with MYLK3-related conditions. An algorithm developed to predict the effect of missense changes on protein structure and function (PolyPhen-2) suggests that this variant is likely to be disruptive. Algorithms developed to predict the effect of sequence changes on RNA splicing suggest that this variant may disrupt the consensus splice site. In summary, the available evidence is currently insufficient to determine the role of this variant in disease. Therefore, it has been classified as a Variant of Uncertain Significance.

NM_182493.3(MYLK3):c.1664A>G (p.Glu555Gly)

Gene: MYLK3 (myosin light chain kinase 3; minus strand). Cytogenetic location: 16q11.2.
Variant type: single nucleotide variant.
Coding change: c.1664A>G on transcript NM_182493.3 (MANE Select); coding-DNA position 1664, A replaced by G.
Protein change: p.Glu555Gly; replaces glutamic acid 555 with glycine.
Molecular consequence: missense variant.
Genome position (GRCh38, 1-based): chr16:46,729,132, T>C on the plus strand (A>G on the coding strand, the complement: MYLK3 is on the minus strand). VCF-style: chr16-46729132-T-C. GRCh37 (hg19) VCF-style: chr16-46763044-T-C.
Other names: c.641A>G, p.Glu214Gly (NM_001308301.1); short protein forms E214G, E555G.
Identifiers: ClinVar variation 2837630 (VCV002837630.3), dbSNP rs995394139, ClinGen allele CA280226615.